The following is an entry in ClinVar:

ClinVar aggregate classification (germline): Likely benign (1 of 4 stars; one submission).

Allele frequency attached by ClinVar (database versions not stated): gnomAD exomes below 0.00001; gnomAD 0.00001.
gnomAD v4.1: 1 of 1,614,088 alleles (0.000062%); highest among the groups gnomAD compares: African/African-American, 0.0013%; no homozygotes.

Submission:

GeneDx
Classification: Likely benign. Last evaluated: 2016-12-07. Review status: criteria provided, single submitter. Criteria: GeneDx Variant Classification (06012015). Collection method: clinical testing. Allele origin: germline. Affected: yes.
Comment: This variant is considered likely benign or benign based on one or more of the following criteria: it is a conservative change, it occurs at a poorly conserved position in the protein, it is predicted to be benign by multiple in silico algorithms, and/or has population frequency not consistent with disease.

NM_012330.4(KAT6B):c.5592T>C (p.Ser1864=)

Gene: KAT6B (lysine acetyltransferase 6B; plus strand). Cytogenetic location: 10q22.2.
Variant type: single nucleotide variant.
Coding change: c.5592T>C on transcript NM_012330.4 (MANE Select); coding-DNA position 5592, T replaced by C.
Protein change: p.Ser1864=; no amino-acid change (serine 1864 retained).
Molecular consequence: synonymous variant.
Genome position (GRCh38, 1-based): chr10:75,030,416, T>C. VCF-style: chr10-75030416-T-C. GRCh37 (hg19) VCF-style: chr10-76790174-T-C.
Other names: c.5043T>C, p.Ser1681= (NM_001256468.2, NM_001370138.1); c.4716T>C, p.Ser1572= (NM_001256469.2, NM_001370139.1, NM_001370140.1 and 2 more transcripts); c.4554T>C, p.Ser1518= (NM_001370132.1); c.3903T>C, p.Ser1301= (NM_001370133.1); c.3507T>C, p.Ser1169= (NM_001370134.1); c.3249T>C, p.Ser1083= (NM_001370135.1); c.5592T>C, p.Ser1864= (NM_001370136.1, NM_001370137.1); c.4527T>C, p.Ser1509= (NM_001370143.1, NM_001370144.1).
Identifiers: ClinVar variation 391418 (VCV000391418.1), dbSNP rs1057524074, ClinGen allele CA16606063.
Genomic context (GRCh38, chr10:75,030,416, plus strand): 5'-AAACAGTGCCTCTTTGTCCACACCATTAAGTAACACAGGGCTTGTTCAACTTTCTCAGTC[T>C]CCACACTCCGTCCCTGGGGGACCCCAAGCACAAGCTACCATGACCCCACCCCCCAACCTG-3'
Protein context (NP_036462.2, residues 1854-1874): SNTGLVQLSQ[Ser1864=]PHSVPGGPQA